The following is an entry in ClinVar:

ClinVar aggregate classification (germline): Uncertain significance (1 of 4 stars; one submission).

Submission:

Labcorp Genetics (formerly Invitae), Labcorp
Classification: Uncertain significance. Last evaluated: 2026-01-24. Review status: criteria provided, single submitter. Criteria: Invitae Variant Classification Sherloc (09022015). Collection method: clinical testing. Allele origin: germline.
Comment: This sequence change replaces proline, which is neutral and non-polar, with alanine, which is neutral and non-polar, at codon 1415 of the COL4A1 protein (p.Pro1415Ala). This variant is not present in population databases (gnomAD no frequency). This variant has not been reported in the literature in individuals affected with COL4A1-related conditions. Invitae Evidence Modeling of protein sequence and biophysical properties (such as structural, functional, and spatial information, amino acid conservation, physicochemical variation, residue mobility, and thermodynamic stability) indicates that this missense variant is not expected to disrupt COL4A1 protein function with a negative predictive value of 95%. In summary, the available evidence is currently insufficient to determine the role of this variant in disease. Therefore, it has been classified as a Variant of Uncertain Significance.

NM_001845.6(COL4A1):c.4243C>G (p.Pro1415Ala)

Gene: COL4A1 (collagen type IV alpha 1 chain; minus strand). Cytogenetic location: 13q34.
Variant type: single nucleotide variant.
Coding change: c.4243C>G on transcript NM_001845.6 (MANE Select); coding-DNA position 4243, C replaced by G.
Protein change: p.Pro1415Ala; replaces proline 1415 with alanine.
Molecular consequence: missense variant.
Genome position (GRCh38, 1-based): chr13:110,163,469, G>C on the plus strand (C>G on the coding strand, the complement: COL4A1 is on the minus strand). VCF-style: chr13-110163469-G-C. GRCh37 (hg19) VCF-style: chr13-110815816-G-C.
Other names: short protein forms P1415A.
Identifiers: ClinVar variation 4702679 (VCV004702679.1).